The following is an entry in ClinVar:

NM_006922.4(SCN3A):c.5548C>A (p.Leu1850Ile)

Gene: SCN3A (sodium voltage-gated channel alpha subunit 3; minus strand). Cytogenetic location: 2q24.3.
Variant type: single nucleotide variant.
Coding change: c.5548C>A on transcript NM_006922.4 (MANE Select); coding-DNA position 5548, C replaced by A.
Protein change: p.Leu1850Ile; replaces leucine 1850 with isoleucine.
Molecular consequence: missense variant.
Genome position (GRCh38, 1-based): chr2:165,090,605, G>T on the plus strand (C>A on the coding strand, the complement: SCN3A is on the minus strand). VCF-style: chr2-165090605-G-T. GRCh37 (hg19) VCF-style: chr2-165947115-G-T.
Other names: c.5401C>A, p.Leu1801Ile (NM_001081676.2, NM_001081677.2); short protein forms L1801I, L1850I.
Identifiers: ClinVar variation 1489153 (VCV001489153.7), dbSNP rs759924410, ClinGen allele CA1938385.

ClinVar aggregate classification (germline): Uncertain significance (1 of 4 stars; one submission).

Allele frequency attached by ClinVar (database versions not stated): gnomAD exomes below 0.00001 and 0.00001; TOPMed below 0.00001; ExAC 0.00001; gnomAD 0.00001.
gnomAD v4.1: 12 of 1,613,888 alleles (0.00074%); highest among the groups gnomAD compares: Non-Finnish European, 0.001%; no homozygotes.

Submission:

Labcorp Genetics (formerly Invitae), Labcorp
Classification: Uncertain significance. Last evaluated: 2025-01-11. Review status: criteria provided, single submitter. Criteria: Invitae Variant Classification Sherloc (09022015). Collection method: clinical testing. Allele origin: germline.
Comment: This sequence change replaces leucine, which is neutral and non-polar, with isoleucine, which is neutral and non-polar, at codon 1850 of the SCN3A protein (p.Leu1850Ile). This variant is present in population databases (rs759924410, gnomAD 0.0009%). This variant has not been reported in the literature in individuals affected with SCN3A-related conditions. ClinVar contains an entry for this variant (Variation ID: 1489153). Invitae Evidence Modeling of protein sequence and biophysical properties (such as structural, functional, and spatial information, amino acid conservation, physicochemical variation, residue mobility, and thermodynamic stability) indicates that this missense variant is not expected to disrupt SCN3A protein function with a negative predictive value of 95%. In summary, the available evidence is currently insufficient to determine the role of this variant in disease. Therefore, it has been classified as a Variant of Uncertain Significance.